The following is an entry in ClinVar:

NM_001080517.3(SETD5):c.617G>A (p.Trp206Ter)

Gene: SETD5 (SET domain containing 5; plus strand). Cytogenetic location: 3p25.3.
Variant type: single nucleotide variant.
Coding change: c.617G>A on transcript NM_001080517.3 (MANE Select); coding-DNA position 617, G replaced by A.
Protein change: p.Trp206Ter; replaces tryptophan 206 with a stop codon.
Molecular consequence: nonsense.
Genome position (GRCh38, 1-based): chr3:9,440,505, G>A. VCF-style: chr3-9440505-G-A. GRCh37 (hg19) VCF-style: chr3-9482189-G-A.
Other names: c.323G>A, p.Trp108Ter (NM_001292043.2, NM_001349451.2); short protein forms W108*, W206*.
Identifiers: ClinVar variation 2444235 (VCV002444235.1), dbSNP rs2472656870, ClinGen allele CA351687130.

ClinVar aggregate classification (germline): Likely pathogenic (1 of 4 stars; one submission).

Conditions:
Intellectual disability-facial dysmorphism syndrome due to SETD5 haploinsufficiency (MRD23). Also called: Intellectual developmental disorder, autosomal dominant 23. Identifiers: Orphanet 404440, MedGen C3810406, MONDO:0014336, OMIM 615761.

Submission:

3billion
Classification: Likely pathogenic for Intellectual disability-facial dysmorphism syndrome due to SETD5 haploinsufficiency. Last evaluated: 2023-02-23. Review status: criteria provided, single submitter. Criteria: ACMG Guidelines, 2015. Collection method: clinical testing. Allele origin: unknown. Affected: yes.
Comment: The variant is not observed in the gnomAD v2.1.1 dataset. This variant was predicted to result in a loss or disruption of normal protein function through nonsense-mediated decay (NMD) or protein truncation. Multiple pathogenic variants are reported downstream of the variant. Therefore, this variant is classified as Likely pathogenic according to the recommendation of ACMG/AMP guideline.